The following is an entry in ClinVar:

ClinVar aggregate classification (germline): Uncertain significance (1 of 4 stars; one submission).

Conditions:
Intellectual disability. Also called: Intellectual functioning disability; intellectual disabilities; Intellectual developmental disorder. Identifiers: MedGen C3714756, MeSH D008607, MONDO:0001071, HP:0001249.

Submission:

Institute of Human Genetics, University of Leipzig Medical Center
Classification: Uncertain significance for Intellectual disability. Last evaluated: 2021-01-09. Review status: criteria provided, single submitter. Criteria: ACMG Guidelines, 2015. Collection method: curation. Allele origin: de novo. Inheritance: Autosomal dominant inheritance. Affected: yes.
Comment: This variant was reported as 3 78666808 C A in an individual (DDD4K.04084) with NDD (PMID: 28135719 (mcrae2017)). Inheritance was reported as dominant (heterozygous) (de novo). The variant was reviewed according to current ACMG recommendations and classified as Uncertain Significance (criteria: PS2_Moderate, PM2_Supporting, PP3_Supporting) at the variant level; the gene-disease association is currently not established in curated databases.

Literature cited by the submitters: PubMed 28135719.

NM_002941.4(ROBO1):c.4259G>T (p.Arg1420Leu)

Gene: ROBO1 (roundabout guidance receptor 1; minus strand). Cytogenetic location: 3p12.3.
Variant type: single nucleotide variant.
Coding change: c.4259G>T on transcript NM_002941.4 (MANE Select); coding-DNA position 4259, G replaced by T.
Protein change: p.Arg1420Leu; replaces arginine 1420 with leucine.
Molecular consequence: missense variant.
Genome position (GRCh38, 1-based): chr3:78,617,658, C>A on the plus strand (G>T on the coding strand, the complement: ROBO1 is on the minus strand). VCF-style: chr3-78617658-C-A. GRCh37 (hg19) VCF-style: chr3-78666808-C-A.
Other names: c.3959G>T, p.Arg1320Leu (NM_001145845.2); c.4124G>T, p.Arg1375Leu (NM_133631.4); short protein forms R1320L, R1375L, R1420L.
Identifiers: ClinVar variation 995990 (VCV000995990.1), dbSNP rs778040289, ClinGen allele CA353648052.